The following is an entry in ClinVar:

NM_005559.4(LAMA1):c.5379+5G>A

Gene: LAMA1 (laminin subunit alpha 1; minus strand). Cytogenetic location: 18p11.31.
Variant type: single nucleotide variant.
Coding change: c.5379+5G>A on transcript NM_005559.4 (MANE Select); 5 bases into the intron after coding-DNA position 5379, G replaced by A.
Molecular consequence: intron variant.
Genome position (GRCh38, 1-based): chr18:6,986,132, C>T on the plus strand (G>A on the coding strand, the complement: LAMA1 is on the minus strand). VCF-style: chr18-6986132-C-T. GRCh37 (hg19) VCF-style: chr18-6986131-C-T.
Identifiers: ClinVar variation 3776158 (VCV003776158.1).

ClinVar aggregate classification (germline): Uncertain significance (1 of 4 stars; one submission).

Conditions:
Ataxia - intellectual disability - oculomotor apraxia - cerebellar cysts syndrome. Also called: Poretti-Boltshauser syndrome. Identifiers: Orphanet 370022, MedGen C4014821, MONDO:0014419, OMIM 615960.

gnomAD v4.1: 4 of 1,613,972 alleles (0.00025%); highest among the groups gnomAD compares: African/African-American, 0.0027%; no homozygotes.

Submission:

3billion
Classification: Uncertain significance for Ataxia - intellectual disability - oculomotor apraxia - cerebellar cysts syndrome. Last evaluated: 2023-08-01. Review status: criteria provided, single submitter. Criteria: ACMG Guidelines, 2015. Collection method: clinical testing. Allele origin: germline. Affected: yes.
Comment: The variant is observed at an extremely low frequency in the gnomAD v2.1.1 dataset (total allele frequency: 0.001%). Predicted Consequence/Location: Intron variant In silico tools predict the variant to alter splicing and produce an abnormal transcript (SpliceAI: 0.98 (>=0.2, moderate evidence for spliceogenicity)). Therefore, this variant is classified as VUS according to the recommendation of ACMG/AMP guideline.